The following is an entry in ClinVar:

NM_001369.3(DNAH5):c.3460G>T (p.Glu1154Ter)

Genes: DNAH5 (dynein axonemal heavy chain 5; minus strand), DNAH5-AS1 (DNAH5 antisense RNA 1; plus strand). Cytogenetic location: 5p15.2.
Variant type: single nucleotide variant.
Coding change: c.3460G>T on transcript NM_001369.3 (MANE Select); coding-DNA position 3460, G replaced by T.
Protein change: p.Glu1154Ter; replaces glutamic acid 1154 with a stop codon.
Molecular consequence: nonsense.
Genome position (GRCh38, 1-based): chr5:13,871,702, C>A on the plus strand (G>T on the coding strand, the complement: DNAH5 is on the minus strand). VCF-style: chr5-13871702-C-A. GRCh37 (hg19) VCF-style: chr5-13871811-C-A.
Other names: short protein forms E1154*.
Identifiers: ClinVar variation 5014456 (VCV005014456.1).

ClinVar aggregate classification (germline): Pathogenic (1 of 4 stars; one submission).

Conditions:
Primary ciliary dyskinesia 3. Identifiers: Orphanet 244, MedGen C1837618, MONDO:0012085, OMIM 608644.

Submission:

Myriad Genetics, Inc.
Classification: Pathogenic for Primary ciliary dyskinesia 3. Last evaluated: 2025-05-17. Review status: criteria provided, single submitter. Criteria: Myriad Autosomal Dominant, Autosomal Recessive and X-Linked Classification Criteria (2023). Collection method: clinical testing. Allele origin: unknown.
Comment: NM_001369.2(DNAH5):c.3460G>T(E1154*) is expected to be pathogenic in the context of primary ciliary dyskinesia, DNAH5-related. This variant is predicted to lead to an abnormal or absent protein product due to the creation of a premature termination codon in DNAH5, a gene where loss-of-function variants are known to be pathogenic. Please note: this variant was assessed in the context of healthy population screening.